The following is an entry in ClinVar:

ClinVar aggregate classification (germline): Benign/Likely benign. Review status: criteria provided, multiple submitters, no conflicts (2 of 4 stars). 2 submissions from 2 submitters: Benign (1); Likely benign (1). Last evaluated 2026-01-08.

Allele frequency attached by ClinVar (database versions not stated): ESP Exome Variant Server 0.00015; 1000 Genomes Project 30x 0.00016; gnomAD 0.00016 and 0.00017; 1000 Genomes Project 0.00020; TOPMed 0.00025; gnomAD exomes 0.00032; ExAC 0.00040.
gnomAD v4.1: 347 of 1,614,080 alleles (0.021%); highest among the groups gnomAD compares: East Asian, 0.46%; 1 homozygote.

Submissions (2):

Labcorp Genetics (formerly Invitae), Labcorp
Classification: Benign. Last evaluated: 2026-01-08. Review status: criteria provided, single submitter. Criteria: Invitae Variant Classification Sherloc (09022015). Collection method: clinical testing. Allele origin: germline.

CeGaT Center for Human Genetics Tuebingen
Classification: Likely benign. Last evaluated: 2023-02-01. Review status: criteria provided, single submitter. Criteria: CeGaT Center For Human Genetics Tuebingen Variant Classification Criteria Version 2. Collection method: clinical testing. Allele origin: germline. Affected: yes. Observed: 1 variant allele.
Comment: CYB5R3: BP4, BP7

NM_000398.7(CYB5R3):c.537G>A (p.Ala179=)

Gene: CYB5R3 (cytochrome b5 reductase 3; minus strand). Cytogenetic location: 22q13.2.
Variant type: single nucleotide variant.
Coding change: c.537G>A on transcript NM_000398.7 (MANE Select); coding-DNA position 537, G replaced by A.
Protein change: p.Ala179=; no amino-acid change (alanine 179 retained).
Molecular consequence: synonymous variant.
Genome position (GRCh38, 1-based): chr22:42,627,615, C>T on the plus strand (G>A on the coding strand, the complement: CYB5R3 is on the minus strand). VCF-style: chr22-42627615-C-T. GRCh37 (hg19) VCF-style: chr22-43023621-C-T.
Other names: c.468G>A, p.Ala156= (NM_001129819.2, NM_001171661.1, NM_007326.4); c.636G>A, p.Ala212= (NM_001171660.2).
Identifiers: ClinVar variation 739185 (VCV000739185.33), dbSNP rs144871462, ClinGen allele CA10269714.